The following is an entry in ClinVar:

ClinVar aggregate classification (germline): Benign/Likely benign. Review status: criteria provided, multiple submitters, no conflicts (2 of 4 stars). 3 submissions from 3 submitters: Benign (2); Likely benign (1). Last evaluated 2022-03-01.

Allele frequency attached by ClinVar (database versions not stated): 1000 Genomes Project 30x 0.00203; 1000 Genomes Project 0.00220; TOPMed 0.00230; gnomAD 0.00288 and 0.00292; ESP Exome Variant Server 0.00300; gnomAD exomes 0.00315; ExAC 0.00321.
gnomAD v4.1: 6,235 of 1,613,096 alleles (0.39%); highest among the groups gnomAD compares: Non-Finnish European, 0.44%; 23 homozygotes.

Submissions (3):

CeGaT Center for Human Genetics Tuebingen
Classification: Likely benign. Last evaluated: 2022-03-01. Review status: criteria provided, single submitter. Criteria: CeGaT Center For Human Genetics Tuebingen Variant Classification Criteria Version 2. Collection method: clinical testing. Allele origin: germline. Affected: yes. Observed: 1 variant allele.
Comment: COL14A1: BP4, BP7

Labcorp Genetics (formerly Invitae), Labcorp
Classification: Benign. Last evaluated: 2018-09-10. Review status: criteria provided, single submitter. Criteria: Invitae Variant Classification Sherloc (09022015). Collection method: clinical testing. Allele origin: germline.

Breakthrough Genomics
Classification: Benign. Review status: criteria provided, single submitter. Criteria: ACMG Guidelines, 2015. Collection method: not provided. Allele origin: germline. Inheritance: Unknown mechanism. Affected: yes.

NM_021110.4(COL14A1):c.834A>G (p.Pro278=)

Gene: COL14A1 (collagen type XIV alpha 1 chain; plus strand). Cytogenetic location: 8q24.12.
Variant type: single nucleotide variant.
Coding change: c.834A>G on transcript NM_021110.4 (MANE Select); coding-DNA position 834, A replaced by G.
Protein change: p.Pro278=; no amino-acid change (proline 278 retained).
Molecular consequence: synonymous variant.
Genome position (GRCh38, 1-based): chr8:120,199,523, A>G. VCF-style: chr8-120199523-A-G. GRCh37 (hg19) VCF-style: chr8-121211762-A-G.
Identifiers: ClinVar variation 782516 (VCV000782516.28), dbSNP rs113817413, ClinGen allele CA4858671.